The following is an entry in ClinVar:

NM_001365536.1(SCN9A):c.5523C>G (p.Ile1841Met)

Genes: SCN1A-AS1 (SCN1A and SCN9A antisense RNA 1; plus strand), SCN9A (sodium voltage-gated channel alpha subunit 9; minus strand). Cytogenetic location: 2q24.3.
Variant type: single nucleotide variant.
Coding change: c.5523C>G on transcript NM_001365536.1 (MANE Select); coding-DNA position 5523, C replaced by G.
Protein change: p.Ile1841Met; replaces isoleucine 1841 with methionine.
Molecular consequence: missense variant.
Genome position (GRCh38, 1-based): chr2:166,199,116, G>C on the plus strand (C>G on the coding strand, the complement: SCN9A is on the minus strand). VCF-style: chr2-166199116-G-C. GRCh37 (hg19) VCF-style: chr2-167055626-G-C.
Other names: c.5490C>G, p.Ile1830Met (NM_002977.4); short protein forms I1830M, I1841M.
Identifiers: ClinVar variation 2942115 (VCV002942115.3), dbSNP rs746119070, ClinGen allele CA1943661.

ClinVar aggregate classification (germline): Uncertain significance (1 of 4 stars; one submission).

Conditions:
Neuropathy, hereditary sensory and autonomic, type 2A (HSAN2A). Also called: ACROOSTEOLYSIS, GIACCAI TYPE; ACROOSTEOLYSIS, NEUROGENIC; MORVAN DISEASE; NEUROPATHY, CONGENITAL SENSORY; NEUROPATHY, HEREDITARY SENSORY RADICULAR, AUTOSOMAL RECESSIVE; NEUROPATHY, HEREDITARY SENSORY, TYPE IIA. Identifiers: Orphanet 970, MedGen C2752089, MONDO:0024309, OMIM 201300.
Generalized epilepsy with febrile seizures plus, type 7 (GEFSP7). Also called: GEFS+, TYPE 7. Identifiers: Orphanet 36387, MedGen C2751778, MONDO:0013470, OMIM 613863.

Allele frequency attached by ClinVar (database versions not stated): gnomAD exomes below 0.00001; ExAC 0.00002.
gnomAD v4.1: 3 of 1,614,124 alleles (0.00019%); highest among the groups gnomAD compares: South Asian, 0.0022%; no homozygotes.

Submission:

Labcorp Genetics (formerly Invitae), Labcorp
Classification: Uncertain significance for Neuropathy, hereditary sensory and autonomic, type 2A; Generalized epilepsy with febrile seizures plus, type 7. Last evaluated: 2022-12-14. Review status: criteria provided, single submitter. Criteria: Invitae Variant Classification Sherloc (09022015). Collection method: clinical testing. Allele origin: germline.
Comment: In summary, the available evidence is currently insufficient to determine the role of this variant in disease. Therefore, it has been classified as a Variant of Uncertain Significance. Advanced modeling of protein sequence and biophysical properties (such as structural, functional, and spatial information, amino acid conservation, physicochemical variation, residue mobility, and thermodynamic stability) has been performed at Invitae for this missense variant, however the output from this modeling did not meet the statistical confidence thresholds required to predict the impact of this variant on SCN9A protein function. This sequence change replaces isoleucine, which is neutral and non-polar, with methionine, which is neutral and non-polar, at codon 1830 of the SCN9A protein (p.Ile1830Met). This variant is present in population databases (rs746119070, gnomAD 0.01%). This variant has not been reported in the literature in individuals affected with SCN9A-related conditions.